The following is an entry in ClinVar:

NM_001242957.3(MAK):c.1414A>G (p.Thr472Ala)

Gene: MAK (male germ cell associated kinase; minus strand). Cytogenetic location: 6p24.2.
Variant type: single nucleotide variant.
Coding change: c.1414A>G on transcript NM_001242957.3 (MANE Select); coding-DNA position 1414, A replaced by G.
Protein change: p.Thr472Ala; replaces threonine 472 with alanine.
Molecular consequence: missense variant. On other transcripts: non-coding transcript variant (2).
Genome position (GRCh38, 1-based): chr6:10,784,475, T>C on the plus strand (A>G on the coding strand, the complement: MAK is on the minus strand). VCF-style: chr6-10784475-T-C. GRCh37 (hg19) VCF-style: chr6-10784708-T-C.
Other names: c.1414A>G (NM_005906.4); c.1414A>G, p.Thr472Ala (NM_001242385.2, NM_005906.6); c.1312A>G, p.Thr438Ala (NM_001377262.1); short protein forms T472A, T438A.
Identifiers: ClinVar variation 969084 (VCV000969084.7), dbSNP rs760262193, ClinGen allele CA3633442.

ClinVar aggregate classification (germline): Uncertain significance. Review status: criteria provided, multiple submitters, no conflicts (2 of 4 stars). 3 submissions from 3 submitters: Uncertain significance (3). Last evaluated 2024-08-20.

Conditions:
Inborn genetic diseases. Identifiers: MedGen C0950123, MeSH D030342.

Allele frequency attached by ClinVar (database versions not stated): gnomAD 0.00001; ExAC 0.00002; gnomAD exomes 0.00002; TOPMed 0.00003.
gnomAD v4.1: 28 of 1,614,090 alleles (0.0017%); highest among the groups gnomAD compares: African/African-American, 0.004%; no homozygotes.

Submissions (3):

Ambry Genetics
Classification: Uncertain significance for Inborn genetic diseases. Last evaluated: 2024-08-20. Review status: criteria provided, single submitter. Criteria: Ambry Variant Classification Scheme 2023. Collection method: clinical testing. Allele origin: germline.

Blueprint Genetics
Classification: Uncertain significance. Last evaluated: 2023-12-22. Review status: criteria provided, single submitter. Criteria: ACMG Guidelines, 2015. Collection method: clinical testing. Allele origin: germline.

Labcorp Genetics (formerly Invitae), Labcorp
Classification: Uncertain significance. Last evaluated: 2022-09-13. Review status: criteria provided, single submitter. Criteria: Invitae Variant Classification Sherloc (09022015). Collection method: clinical testing. Allele origin: germline.
Comment: This sequence change replaces threonine, which is neutral and polar, with alanine, which is neutral and non-polar, at codon 472 of the MAK protein (p.Thr472Ala). This variant is present in population databases (rs760262193, gnomAD 0.005%). This variant has not been reported in the literature in individuals affected with MAK-related conditions. ClinVar contains an entry for this variant (Variation ID: 969084). Advanced modeling of protein sequence and biophysical properties (such as structural, functional, and spatial information, amino acid conservation, physicochemical variation, residue mobility, and thermodynamic stability) performed at Invitae indicates that this missense variant is not expected to disrupt MAK protein function. Algorithms developed to predict the effect of sequence changes on RNA splicing suggest that this variant may create or strengthen a splice site. In summary, the available evidence is currently insufficient to determine the role of this variant in disease. Therefore, it has been classified as a Variant of Uncertain Significance.